The following is an entry in ClinVar:

NM_017780.4(CHD7):c.6955C>T (p.Arg2319Cys)

Gene: CHD7 (chromodomain helicase DNA binding protein 7; plus strand). Cytogenetic location: 8q12.2.
Variant type: single nucleotide variant.
Coding change: c.6955C>T on transcript NM_017780.4 (MANE Select); coding-DNA position 6955, C replaced by T.
Protein change: p.Arg2319Cys; replaces arginine 2319 with cysteine.
Molecular consequence: missense variant. On other transcripts: intron variant (1).
Genome position (GRCh38, 1-based): chr8:60,855,993, C>T. VCF-style: chr8-60855993-C-T. GRCh37 (hg19) VCF-style: chr8-61768552-C-T.
Other names: c.1717-6236C>T (NM_001316690.1); short protein forms R2319C.
Identifiers: ClinVar variation 235889 (VCV000235889.26), dbSNP rs121434341, ClinGen allele CA10581478.

ClinVar aggregate classification (germline): Pathogenic. Review status: criteria provided, multiple submitters, no conflicts (2 of 4 stars). 11 submissions from 11 submitters: Pathogenic (10). 1 of the submissions does not count toward it. Last evaluated 2025-03-23.

Conditions:
CHD7-related disorder. Also called: CHD7-related condition.
CHD7-related CHARGE syndrome. Identifiers: MedGen CN380413, MONDO:1010178, OMIM 214800.
CHARGE syndrome (CHARGE). Also called: Coloboma, heart anomaly, choanal atresia, retardation, genital and ear anomalies; CHARGE association; Hall-Hittner syndrome; CHARGE ASSOCIATION--COLOBOMA, HEART ANOMALY, CHOANAL ATRESIA, RETARDATION, GENITAL AND EAR ANOMALIES; Hittner Hirsch Kreh syndrome. Identifiers: Orphanet 138, MedGen C0265354, MONDO:0008965.
Joubert syndrome. Also called: Familial aplasia of the vermis; JOUBERT-BOLTSHAUSER SYNDROME. Identifiers: Orphanet 475, MedGen C5979921, MONDO:0018772.

Submissions (11):

Variantyx, Inc.
Classification: Pathogenic for CHD7-related CHARGE syndrome. Last evaluated: 2025-03-23. Review status: criteria provided, single submitter. Criteria: Variantyx Assertion Criteria 2022. Collection method: clinical testing. Allele origin: de novo. Affected: yes.
Comment: This is a nonsynonymous variant in the CHD7 gene (OMIM: 608892). Pathogenic variants in this gene have been associated with autosomal dominant CHARGE syndrome. This variant has been reported in several unrelated affected individuals (PMID: 22539353, 16155193, 32914532) (PS4). Functional studies have shown that this variant alters CHD7 protein function (PMID: 31289371) (PS3_Moderate). Multiple computational algorithms predict a deleterious effect for this variant (REVEL score: 0.829) (PP3_Moderate). This variant is absent from control populations (PM2_Supporting). Based on the current evidence, this variant is classified as pathogenic for autosomal dominant CHARGE syndrome.

Labcorp Genetics (formerly Invitae), Labcorp
Classification: Pathogenic for CHARGE syndrome. Last evaluated: 2024-12-26. Review status: criteria provided, single submitter. Criteria: Invitae Variant Classification Sherloc (09022015). Collection method: clinical testing. Allele origin: germline.
Comment: This sequence change replaces arginine, which is basic and polar, with cysteine, which is neutral and slightly polar, at codon 2319 of the CHD7 protein (p.Arg2319Cys). This variant is not present in population databases (gnomAD no frequency). This missense change has been observed in individual(s) with CHARGE syndrome (PMID: 16155193, 16763960, 18073582, 18484313, 21158681, 22033296, 28554332; Feretetal.ACMG2010Abstract#1671). In at least one individual the variant was observed to be de novo. It has also been observed to segregate with disease in related individuals. ClinVar contains an entry for this variant (Variation ID: 235889). Invitae Evidence Modeling of protein sequence and biophysical properties (such as structural, functional, and spatial information, amino acid conservation, physicochemical variation, residue mobility, and thermodynamic stability) indicates that this missense variant is expected to disrupt CHD7 protein function with a positive predictive value of 95%. This variant disrupts the p.Arg2319 amino acid residue in CHD7. Other variant(s) that disrupt this residue have been observed in individuals with CHD7-related conditions (PMID: 16400610), which suggests that this may be a clinically significant amino acid residue. For these reasons, this variant has been classified as Pathogenic.

Genomic Medicine Center of Excellence, King Faisal Specialist Hospital and Research Centre
Classification: Pathogenic for CHD7-related CHARGE syndrome. Last evaluated: 2024-06-29. Review status: criteria provided, single submitter. Criteria: ACMG Guidelines, 2015. Collection method: clinical testing. Allele origin: germline.

Neuberg Centre For Genomic Medicine, NCGM
Classification: Pathogenic for CHD7-related CHARGE syndrome. Last evaluated: 2024-02-01. Review status: criteria provided, single submitter. Criteria: ACMG Guidelines, 2015. Collection method: clinical testing. Allele origin: germline. Inheritance: Autosomal dominant inheritance. Affected: yes.
Comment: The missense variant c.6955C>T (p.Arg2319Cys)) in the CHD7 gene has been reported previously in heterozygous state in individuals affected with CHARGE syndrome (Brajadenta et al., 2019; Holak et al., 2008). Different amino acid change (p.Arg2319His) is reported as a known likely pathogenic variant. In at least one individual the variant was observed to be de novo. It has also been observed to segregate with disease in related individuals. For these reasons, this variant has been classified as Pathogenic.

GeneDx
Classification: Pathogenic. Last evaluated: 2024-01-02. Review status: criteria provided, single submitter. Criteria: GeneDx Variant Classification Process June 2021. Collection method: clinical testing. Allele origin: germline. Affected: yes.
Comment: Published functional studies suggest this variant alters gene transcription (PMID: 31289371); Not observed at significant frequency in large population cohorts (gnomAD); In silico analysis supports that this missense variant has a deleterious effect on protein structure/function; This variant is associated with the following publications: (PMID: 22539353, 21158681, 31729160, 16155193, 18484313, 16763960, 18073582, 31289371, 32914532, 22033296, 33442180, 32978145, 32804436, 34716235, 28554332, 36597107)

Baylor Genetics
Classification: Pathogenic for CHD7-related CHARGE syndrome. Last evaluated: 2023-08-24. Review status: criteria provided, single submitter. Criteria: ACMG Guidelines, 2015. Collection method: clinical testing. Allele origin: unknown.

Blueprint Genetics
Classification: Pathogenic for CHD7-related disorders. Last evaluated: 2022-06-08. Review status: criteria provided, single submitter. Criteria: ACMG Guidelines, 2015. Collection method: clinical testing. Allele origin: de novo. Affected: yes. Observed: 2 variant alleles.

Cambridge Genomics Laboratory, East Genomic Laboratory Hub, NHS Genomic Medicine Service
Classification: Pathogenic for Joubert syndrome. Last evaluated: 2020-06-06. Review status: criteria provided, single submitter. Criteria: ACGS Best Practice Guidelines for Variant Classification in Rare Disease 2020. Collection method: clinical testing. Allele origin: germline. Affected: yes. Observed: 1 variant allele.

HudsonAlpha Institute for Biotechnology
Classification: Pathogenic for CHD7-related CHARGE syndrome. Last evaluated: 2016-03-17. Review status: criteria provided, single submitter. Criteria: HA_assertions_20161101. Collection method: research. Allele origin: de novo. Affected: yes. Observed: 1 variant allele. Study: CSER-HudsonAlpha.

Laboratoire de Genetique Biologique, CHU de Poitiers
Classification: Pathogenic for CHD7-related CHARGE syndrome. Review status: criteria provided, single submitter. Criteria: ACMG Guidelines, 2015. Collection method: clinical testing. Allele origin: de novo. Affected: yes. Observed: 1 heterozygote.

PreventionGenetics, part of Exact Sciences
Classification: Pathogenic for CHD7-related condition. Last evaluated: 2024-07-18. Review status: no assertion criteria provided. Collection method: clinical testing. Allele origin: germline. Not counted in ClinVar's aggregate classification.
Comment: The CHD7 c.6955C>T variant is predicted to result in the amino acid substitution p.Arg2319Cys. This variant has been reported in individuals with CHARGE syndrome of variable severity (Table S1, Bergman et al. 2012. PubMed ID: 22539353; Table S1, Bowling et al. 2017. PubMed ID: 28554332; Table S2, Cheng et al. 2019. PubMed ID: 31729160; Table 1, Dosunmu and Castleberry. 2020. PubMed ID: 32914532; Holak et al. 2008. PubMed ID: 18484313; Table 2, Jongmans et al. 2006. PubMed ID: 16155193; Lee et al. 2020. PubMed ID: 33442180; Brajadenta et al. 2019. PubMed ID: 31289371; Wei et al. 2020. PubMed ID: 32978145). This variant has been confirmed de novo in five of these unrelated individuals (Table S1, Bowling et al. 2017. PubMed ID: 28554332; Brajadenta et al. 2019. PubMed ID: 31289371; Table S2, Cheng et al. 2019. PubMed ID: 31729160; Lee et al. 2020. PubMed ID: 33442180; Table 2, Wei et al. 2020. PubMed ID: 32804436). In one family this variant was observed in the mildly affected mother of the proband (Table 1, Figure 4, Lalani et al. 2006. PubMed ID: 16400610). In vitro experimental studies suggest this variant impacts protein function (Figure 4, Brajadenta et al. 2019. PubMed ID: 31289371). This variant has not been reported in a large population database, indicating this variant is rare. This variant is interpreted as pathogenic.

Literature cited by the submitters: PubMed 16155193 (cited by Labcorp Genetics (formerly Invitae), Labcorp); PubMed 16763960 (cited by Labcorp Genetics (formerly Invitae), Labcorp); PubMed 18073582 (cited by Labcorp Genetics (formerly Invitae), Labcorp); PubMed 18484313 (cited by Labcorp Genetics (formerly Invitae), Labcorp); PubMed 21158681 (cited by Labcorp Genetics (formerly Invitae), Labcorp); PubMed 22033296 (cited by Labcorp Genetics (formerly Invitae), Labcorp); PubMed 28554332 (cited by Labcorp Genetics (formerly Invitae), Labcorp); PubMed 2010 (cited by Labcorp Genetics (formerly Invitae), Labcorp); PubMed 1671 (cited by Labcorp Genetics (formerly Invitae), Labcorp); PubMed 16400610 (cited by Labcorp Genetics (formerly Invitae), Labcorp).